The following is an entry in ClinVar:

ClinVar aggregate classification (germline): Conflicting classifications of pathogenicity. Review status: criteria provided, conflicting classifications (1 of 4 stars). 4 submissions from 3 submitters: Uncertain significance (2); Likely benign (2). Last evaluated 2026-01-16.

Conditions:
Autosomal recessive nonsyndromic hearing loss 12. Also called: DEAFNESS, AUTOSOMAL RECESSIVE 12. Identifiers: Orphanet 90636, MedGen C1832394, MONDO:0011067, OMIM 601386.
CDH23-related disorder. Also called: CDH23-related condition; CDH23-related disorders.
Usher syndrome type 1D (USH1D). Also called: USHER SYNDROME, TYPE ID. Identifiers: Orphanet 231169, Orphanet 886, MedGen C1832845, MONDO:0010984, OMIM 601067.

Allele frequency attached by ClinVar (database versions not stated): 1000 Genomes Project 30x 0.00016; TOPMed 0.00049; gnomAD exomes 0.00073; gnomAD 0.00096 and 0.00101.
gnomAD v4.1: 148 of 158,664 alleles (0.093%); highest among the groups gnomAD compares: Non-Finnish European, 0.11%; 1 homozygote.

Submissions (4):

PreventionGenetics, part of Exact Sciences
Classification: Likely benign for CDH23-related condition. Last evaluated: 2026-01-16. Review status: criteria provided, single submitter. Criteria: ACMG Guidelines, 2015. Collection method: clinical testing. Allele origin: germline.
Comment: This variant is classified as likely benign based on ACMG/AMP sequence variant interpretation guidelines (Richards et al. 2015 PMID: 25741868, with internal and published modifications).

Illumina Laboratory Services, Illumina
Classification: Uncertain significance for Autosomal recessive nonsyndromic hearing loss 12. Last evaluated: 2018-01-13. Review status: criteria provided, single submitter. Criteria: ICSL Variant Classification Criteria 13 December 2019. Collection method: clinical testing. Allele origin: germline.

Illumina Laboratory Services, Illumina
Classification: Uncertain significance for Usher syndrome type 1D. Last evaluated: 2018-01-13. Review status: criteria provided, single submitter. Criteria: ICSL Variant Classification Criteria 13 December 2019. Collection method: clinical testing. Allele origin: germline.

GeneDx
Classification: Likely benign. Last evaluated: 2015-07-10. Review status: criteria provided, single submitter. Criteria: GeneDx Variant Classification (06012015). Collection method: clinical testing. Allele origin: germline. Affected: yes.
Comment: This variant is considered likely benign or benign based on one or more of the following criteria: it is a conservative change, it occurs at a poorly conserved position in the protein, it is predicted to be benign by multiple in silico algorithms, and/or has population frequency not consistent with disease.

NM_022124.6(CDH23):c.-15C>A

Gene: CDH23 (cadherin related 23; plus strand). Cytogenetic location: 10q22.1.
Variant type: single nucleotide variant.
Coding change: c.-15C>A on transcript NM_022124.6 (MANE Select); 15 bases upstream of the start codon, C replaced by A.
Molecular consequence: 5 prime UTR variant.
Genome position (GRCh38, 1-based): chr10:71,397,309, C>A. VCF-style: chr10-71397309-C-A. GRCh37 (hg19) VCF-style: chr10-73157066-C-A.
Other names: c.-15C>A (NM_001171930.2, NM_001171931.2, NM_001171932.2 and 1 more transcripts).
Identifiers: ClinVar variation 300397 (VCV000300397.7), dbSNP rs760922529, ClinGen allele CA5543256.